The following is an entry in ClinVar:

NM_172107.4(KCNQ2):c.1075A>G (p.Thr359Ala)

Gene: KCNQ2 (potassium voltage-gated channel subfamily Q member 2; minus strand). Cytogenetic location: 20q13.33.
Variant type: single nucleotide variant.
Coding change: c.1075A>G on transcript NM_172107.4 (MANE Select); coding-DNA position 1075, A replaced by G.
Protein change: p.Thr359Ala; replaces threonine 359 with alanine.
Molecular consequence: missense variant.
Genome position (GRCh38, 1-based): chr20:63,433,852, T>C on the plus strand (A>G on the coding strand, the complement: KCNQ2 is on the minus strand). VCF-style: chr20-63433852-T-C. GRCh37 (hg19) VCF-style: chr20-62065205-T-C.
Other names: c.1075A>G, p.Thr359Ala (NM_004518.6, NM_172106.3, NM_172108.5 and 1 more transcripts); short protein forms T359A.
Identifiers: ClinVar variation 418633 (VCV000418633.8), dbSNP rs1064793334, ClinGen allele CA16620967.

ClinVar aggregate classification (germline): Conflicting classifications of pathogenicity. Review status: criteria provided, conflicting classifications (1 of 4 stars). 2 submissions from 2 submitters: Likely pathogenic (1); Uncertain significance (1). Last evaluated 2021-09-01.

Conditions:
Developmental and epileptic encephalopathy. Identifiers: MedGen C5779964, MONDO:0100620.

Submissions (2):

Labcorp Genetics (formerly Invitae), Labcorp
Classification: Uncertain significance for Early-infantile DEE. Last evaluated: 2021-09-01. Review status: criteria provided, single submitter. Criteria: Invitae Variant Classification Sherloc (09022015). Collection method: clinical testing. Allele origin: germline.

GeneDx
Classification: Likely pathogenic. Last evaluated: 2016-08-25. Review status: criteria provided, single submitter. Criteria: GeneDx Variant Classification (06012015). Collection method: clinical testing. Allele origin: germline. Affected: yes.
Comment: The T359A variant has not been published as a pathogenic variant, nor has it been reported as a benign polymorphism to our knowledge. It was not observed in approximately 6,500 individuals of European and African American ancestry in the NHLBI Exome Sequencing Project, indicating it is not a common benign variant in these populations. The T359A variant is a non-conservative amino acid substitution, which is likely to impact secondary protein structure as these residues differ in polarity, charge, size and/or other properties. This substitution occurs at a position that is conserved across species, and in silico analysis predicts this variant is probably damaging to the protein structure/function. A different missense variant at the same position (T359K) has been reported in a mother and daughter with benign familial neonatal seizures (BFNS), and functional studies indicate it reduces potassium current and alters activation, confirming the functional importance of this position in the protein (Volkers et al., 2009). Therefore, this variant is a strong candidate for a pathogenic variant, however the possibility that it is a benign variant cannot be excluded.